The following is an entry in ClinVar:

ClinVar aggregate classification (germline): Uncertain significance. Review status: criteria provided, multiple submitters, no conflicts (2 of 4 stars). 5 submissions from 5 submitters: Uncertain significance (4). 1 of the submissions does not count toward it. Last evaluated 2026-09-02.

Conditions:
Inborn genetic diseases. Identifiers: MedGen C0950123, MeSH D030342.
Retinitis pigmentosa 25 (RP25). Identifiers: Orphanet 791, MedGen C1864446, MONDO:0011272, OMIM 602772.
EYS-related disorder. Also called: EYS-related condition.

Allele frequency attached by ClinVar (database versions not stated): gnomAD below 0.00001 and 0.00001; TOPMed 0.00001; gnomAD exomes 0.00002.
gnomAD v4.1: 11 of 1,550,328 alleles (0.00071%); highest among the groups gnomAD compares: Admixed American, 0.0059%; no homozygotes.

Submissions (5):

PreventionGenetics, part of Exact Sciences
Classification: Uncertain significance for EYS-related condition. Last evaluated: 2026-09-02. Review status: criteria provided, single submitter. Criteria: ACMG Guidelines, 2015. Collection method: clinical testing. Allele origin: germline.
Comment: The EYS c.3353T>C variant is predicted to result in the amino acid substitution p.Ile1118Thr. To our knowledge, this variant has not been reported in the literature. This variant is reported in 0.0092% of alleles in individuals of East Asian descent in gnomAD. At this time, the clinical significance of this variant is uncertain due to the absence of conclusive functional and genetic evidence.

Ambry Genetics
Classification: Uncertain significance for Inborn genetic diseases. Last evaluated: 2024-07-27. Review status: criteria provided, single submitter. Criteria: Ambry Variant Classification Scheme 2023. Collection method: clinical testing. Allele origin: germline.

Labcorp Genetics (formerly Invitae), Labcorp
Classification: Uncertain significance. Last evaluated: 2024-05-23. Review status: criteria provided, single submitter. Criteria: Invitae Variant Classification Sherloc (09022015). Collection method: clinical testing. Allele origin: germline.
Comment: This sequence change replaces isoleucine, which is neutral and non-polar, with threonine, which is neutral and polar, at codon 1118 of the EYS protein (p.Ile1118Thr). This variant is present in population databases (no rsID available, gnomAD 0.01%). This variant has not been reported in the literature in individuals affected with EYS-related conditions. ClinVar contains an entry for this variant (Variation ID: 872088). Algorithms developed to predict the effect of missense changes on protein structure and function output the following: SIFT: "Not Available"; PolyPhen-2: "Benign"; Align-GVGD: "Not Available". The threonine amino acid residue is found in multiple mammalian species, which suggests that this missense change does not adversely affect protein function. In summary, the available evidence is currently insufficient to determine the role of this variant in disease. Therefore, it has been classified as a Variant of Uncertain Significance.

CeGaT Center for Human Genetics Tuebingen
Classification: Uncertain significance. Last evaluated: 2019-11-01. Review status: criteria provided, single submitter. Criteria: CeGaT Center For Human Genetics Tuebingen Variant Classification Criteria Version 2. Collection method: clinical testing. Allele origin: germline. Affected: yes. Observed: 1 variant allele.

Natera, Inc.
Classification: Uncertain significance for Retinitis pigmentosa type 25. Last evaluated: 2021-01-25. Review status: no assertion criteria provided. Collection method: clinical testing. Allele origin: germline. Not counted in ClinVar's aggregate classification.

NM_001142800.2(EYS):c.3353T>C (p.Ile1118Thr)

Gene: EYS (EGF-like photoreceptor maintenance factor; minus strand). Cytogenetic location: 6q12.
Variant type: single nucleotide variant.
Coding change: c.3353T>C on transcript NM_001142800.2 (MANE Select); coding-DNA position 3353, T replaced by C.
Protein change: p.Ile1118Thr; replaces isoleucine 1118 with threonine.
Molecular consequence: missense variant.
Genome position (GRCh38, 1-based): chr6:64,813,468, A>G on the plus strand (T>C on the coding strand, the complement: EYS is on the minus strand). VCF-style: chr6-64813468-A-G. GRCh37 (hg19) VCF-style: chr6-65523361-A-G.
Other names: c.3353T>C, p.Ile1118Thr (NM_001292009.2); c.3353T>C (NM_001142800.1); short protein forms I1118T.
Identifiers: ClinVar variation 872088 (VCV000872088.47), dbSNP rs1412311460, ClinGen allele CA364786865.